The following is an entry in ClinVar:

NM_015450.3(POT1):c.20C>A (p.Thr7Lys)

Gene: POT1 (protection of telomeres 1; minus strand). Cytogenetic location: 7q31.33.
Variant type: single nucleotide variant.
Coding change: c.20C>A on transcript NM_015450.3 (MANE Select); coding-DNA position 20, C replaced by A.
Protein change: p.Thr7Lys; replaces threonine 7 with lysine.
Molecular consequence: missense variant. On other transcripts: 5 prime UTR variant (1), non-coding transcript variant (3).
Genome position (GRCh38, 1-based): chr7:124,892,370, G>T on the plus strand (C>A on the coding strand, the complement: POT1 is on the minus strand). VCF-style: chr7-124892370-G-T. GRCh37 (hg19) VCF-style: chr7-124532424-G-T.
Other names: c.-243C>A (NM_001042594.2); short protein forms T7K.
Identifiers: ClinVar variation 1785874 (VCV001785874.7), dbSNP rs2485562982, ClinGen allele CA369066306.

ClinVar aggregate classification (germline): Conflicting classifications of pathogenicity. Review status: criteria provided, conflicting classifications (1 of 4 stars). 3 submissions from 3 submitters: Uncertain significance (2); Likely benign (1). Last evaluated 2025-03-04.

Conditions:
Tumor predisposition syndrome 3 (TPDS3). Also called: Glioma susceptibility 9; LONG TELOMERE SYNDROME, POT1-RELATED; POT1 Tumor Predisposition; Melanoma, cutaneous malignant, susceptibility to, 10. Identifiers: Orphanet 618, MedGen C4014476, MONDO:0014368, OMIM 615848.
Hereditary cancer-predisposing syndrome. Also called: Tumor predisposition; Neoplastic Syndromes, Hereditary; Hereditary Cancer Syndrome; Hereditary neoplastic syndrome. Identifiers: Orphanet 140162, MedGen C0027672, MeSH D009386, MONDO:0015356.

Submissions (3):

Center for Genomic Medicine, Rigshospitalet, Copenhagen University Hospital
Classification: Uncertain significance. Last evaluated: 2025-03-04. Review status: criteria provided, single submitter. Criteria: ACMG Guidelines, 2015. Collection method: clinical testing. Allele origin: germline.

Ambry Genetics
Classification: Likely benign for Hereditary cancer-predisposing syndrome. Last evaluated: 2025-01-13. Review status: criteria provided, single submitter. Criteria: Ambry Variant Classification Scheme 2023. Collection method: clinical testing. Allele origin: germline.

Labcorp Genetics (formerly Invitae), Labcorp
Classification: Uncertain significance for Tumor predisposition syndrome 3. Last evaluated: 2024-04-13. Review status: criteria provided, single submitter. Criteria: Invitae Variant Classification Sherloc (09022015). Collection method: clinical testing. Allele origin: germline.
Comment: This sequence change replaces threonine, which is neutral and polar, with lysine, which is basic and polar, at codon 7 of the POT1 protein (p.Thr7Lys). This variant is not present in population databases (gnomAD no frequency). This variant has not been reported in the literature in individuals affected with POT1-related conditions. ClinVar contains an entry for this variant (Variation ID: 1785874). Advanced modeling of protein sequence and biophysical properties (such as structural, functional, and spatial information, amino acid conservation, physicochemical variation, residue mobility, and thermodynamic stability) performed at Invitae indicates that this missense variant is not expected to disrupt POT1 protein function with a negative predictive value of 80%. In summary, the available evidence is currently insufficient to determine the role of this variant in disease. Therefore, it has been classified as a Variant of Uncertain Significance.